The following is an entry in ClinVar:

NM_001354435.2(C4orf54):c.4710G>A (p.Gln1570=)

Gene: C4orf54 (chromosome 4 open reading frame 54; minus strand). Cytogenetic location: 4q23.
Variant type: single nucleotide variant.
Coding change: c.4710G>A on transcript NM_001354435.2 (MANE Select); coding-DNA position 4710, G replaced by A.
Protein change: p.Gln1570=; no amino-acid change (glutamine 1570 retained).
Molecular consequence: synonymous variant.
Genome position (GRCh38, 1-based): chr4:99,649,939, C>T on the plus strand (G>A on the coding strand, the complement: C4orf54 is on the minus strand). VCF-style: chr4-99649939-C-T. GRCh37 (hg19) VCF-style: chr4-100571096-C-T.
Identifiers: ClinVar variation 2654969 (VCV002654969.24), dbSNP rs150236393, ClinGen allele CA3022491.

ClinVar aggregate classification (germline): Likely benign (1 of 4 stars; one submission).

Allele frequency attached by ClinVar (database versions not stated): ExAC 0.00065; TOPMed 0.00091; gnomAD 0.00108; 1000 Genomes Project 30x 0.00109; 1000 Genomes Project 0.00120; gnomAD exomes 0.00126.

Submission:

CeGaT Center for Human Genetics Tuebingen
Classification: Likely benign. Last evaluated: 2022-05-01. Review status: criteria provided, single submitter. Criteria: CeGaT Center For Human Genetics Tuebingen Variant Classification Criteria Version 2. Collection method: clinical testing. Allele origin: germline. Affected: yes. Observed: 1 variant allele.
Comment: C4orf54: BP4, BP7